The following is an entry in ClinVar:

ClinVar aggregate classification (germline): Conflicting classifications of pathogenicity. Review status: criteria provided, conflicting classifications (1 of 4 stars). 4 submissions from 4 submitters: Uncertain significance (1); Likely benign (2). 1 of the submissions does not count toward it. Last evaluated 2025-09-12.

Conditions:
IGF1-related disorder. Also called: IGF1-related condition.
Growth delay due to insulin-like growth factor type 1 deficiency (IGF1D). Also called: GROWTH RETARDATION WITH SENSORINEURAL DEAFNESS AND MENTAL RETARDATION; IGF1 DEFICIENCY. Identifiers: Orphanet 73272, MedGen C1837475, MONDO:0012110, OMIM 608747.

Allele frequency attached by ClinVar (database versions not stated): gnomAD exomes 0.00004 and 0.00008; gnomAD 0.00006; ExAC 0.00008; ESP Exome Variant Server 0.00008; TOPMed 0.00008.
gnomAD v4.1: 63 of 1,613,792 alleles (0.0039%); highest among the groups gnomAD compares: Admixed American, 0.023%; no homozygotes.

Submissions (4):

Labcorp Genetics (formerly Invitae), Labcorp
Classification: Likely benign. Last evaluated: 2025-09-12. Review status: criteria provided, single submitter. Criteria: Invitae Variant Classification Sherloc (09022015). Collection method: clinical testing. Allele origin: germline.

CeGaT Center for Human Genetics Tuebingen
Classification: Likely benign. Last evaluated: 2024-10-01. Review status: criteria provided, single submitter. Criteria: CeGaT Center For Human Genetics Tuebingen Variant Classification Criteria Version 2. Collection method: clinical testing. Allele origin: germline. Affected: yes. Observed: 1 variant allele.
Comment: IGF1: BP4, BP7

Illumina Laboratory Services, Illumina
Classification: Uncertain significance for Growth delay due to insulin-like growth factor type 1 deficiency. Last evaluated: 2018-01-13. Review status: criteria provided, single submitter. Criteria: ICSL Variant Classification Criteria 13 December 2019. Collection method: clinical testing. Allele origin: germline.

PreventionGenetics, part of Exact Sciences
Classification: Likely benign for IGF1-related condition. Last evaluated: 2019-04-10. Review status: no assertion criteria provided. Collection method: clinical testing. Allele origin: germline. Not counted in ClinVar's aggregate classification.
Comment: This variant is classified as likely benign based on ACMG/AMP sequence variant interpretation guidelines (Richards et al. 2015 PMID: 25741868, with internal and published modifications).

NM_000618.5(IGF1):c.90G>A (p.Ser30=)

Genes: LINC02456 (long independently transcribed non-coding RNA 2456; plus strand), IGF1 (insulin like growth factor 1; minus strand). Cytogenetic location: 12q23.2.
Variant type: single nucleotide variant.
Coding change: c.90G>A on transcript NM_000618.5 (MANE Select); coding-DNA position 90, G replaced by A.
Protein change: p.Ser30=; no amino-acid change (serine 30 retained).
Molecular consequence: synonymous variant.
Genome position (GRCh38, 1-based): chr12:102,475,773, C>T on the plus strand (G>A on the coding strand, the complement: IGF1 is on the minus strand). VCF-style: chr12-102475773-C-T. GRCh37 (hg19) VCF-style: chr12-102869551-C-T.
Other names: c.90G>A, p.Ser30= (NM_001111283.3, NM_001111285.3); c.42G>A, p.Ser14= (NM_001111284.2); c.90G>A (NM_000618.4).
Identifiers: ClinVar variation 880616 (VCV000880616.27), dbSNP rs374228630, ClinGen allele CA6748622.